The following is an entry in ClinVar:

ClinVar aggregate classification (germline): Benign/Likely benign. Review status: criteria provided, multiple submitters, no conflicts (2 of 4 stars). 3 submissions from 3 submitters: Benign (2); Likely benign (1). Last evaluated 2022-04-01.

Allele frequency attached by ClinVar (database versions not stated): gnomAD 0.00119 and 0.00143; ESP Exome Variant Server 0.00123; gnomAD exomes 0.00133 and 0.00215; TOPMed 0.00143; ExAC 0.00222; 1000 Genomes Project 0.00260; 1000 Genomes Project 30x 0.00265.
gnomAD v4.1: 2,220 of 1,614,182 alleles (0.14%); highest among the groups gnomAD compares: Middle Eastern, 1.2%; 10 homozygotes.

Submissions (3):

CeGaT Center for Human Genetics Tuebingen
Classification: Likely benign. Last evaluated: 2022-04-01. Review status: criteria provided, single submitter. Criteria: CeGaT Center For Human Genetics Tuebingen Variant Classification Criteria Version 2. Collection method: clinical testing. Allele origin: germline. Affected: yes. Observed: 1 variant allele.
Comment: SRGN: BP4, BP7

Labcorp Genetics (formerly Invitae), Labcorp
Classification: Benign. Last evaluated: 2018-03-27. Review status: criteria provided, single submitter. Criteria: Invitae Variant Classification Sherloc (09022015). Collection method: clinical testing. Allele origin: germline.

Breakthrough Genomics
Classification: Benign. Review status: criteria provided, single submitter. Criteria: ACMG Guidelines, 2015. Collection method: not provided. Allele origin: germline. Inheritance: Unknown mechanism. Affected: yes.

NM_002727.4(SRGN):c.306C>T (p.Ser102=)

Gene: SRGN (serglycin; plus strand). Cytogenetic location: 10q22.1.
Variant type: single nucleotide variant.
Coding change: c.306C>T on transcript NM_002727.4 (MANE Select); coding-DNA position 306, C replaced by T.
Protein change: p.Ser102=; no amino-acid change (serine 102 retained).
Molecular consequence: synonymous variant.
Genome position (GRCh38, 1-based): chr10:69,103,949, C>T. VCF-style: chr10-69103949-C-T. GRCh37 (hg19) VCF-style: chr10-70863705-C-T.
Other names: c.306C>T, p.Ser102= (NM_001321053.2); c.138C>T, p.Ser46= (NM_001321054.1).
Identifiers: ClinVar variation 735160 (VCV000735160.28), dbSNP rs138154045, ClinGen allele CA5530069.